The following is an entry in ClinVar:

ClinVar aggregate classification (germline): Benign/Likely benign. Review status: criteria provided, multiple submitters, no conflicts (2 of 4 stars). 10 submissions from 10 submitters: Benign (7); Likely benign (1). 2 of the submissions do not count toward it. Last evaluated 2026-02-04.

Conditions:
Disorder of bone. Also called: Bone disease; Bone disorder; Rare bone disease related to a common gene or pathway defect. Identifiers: Orphanet 364803, MedGen C0005940, MONDO:0005381.
Osteopetrosis. Identifiers: Orphanet 2781, MedGen C0029454, MONDO:0017198, HP:0011002.

Allele frequency attached by ClinVar (database versions not stated): 1000 Genomes Project 0.01577; 1000 Genomes Project 30x 0.01640; TOPMed 0.03129; gnomAD exomes 0.03194 and 0.04641; gnomAD 0.03320 and 0.03405; ESP Exome Variant Server 0.03576; ExAC 0.04355.
gnomAD v4.1: 69,899 of 1,559,106 alleles (4.5%); highest among the groups gnomAD compares: Non-Finnish European, 5.4%; 1,924 homozygotes.

Submissions (10):

Labcorp Genetics (formerly Invitae), Labcorp
Classification: Benign. Last evaluated: 2026-02-04. Review status: criteria provided, single submitter. Criteria: Invitae Variant Classification Sherloc (09022015). Collection method: clinical testing. Allele origin: germline.

Genome Diagnostics Laboratory, The Hospital for Sick Children
Classification: Benign for Disorder of bone. Last evaluated: 2025-05-08. Review status: criteria provided, single submitter. Criteria: ACMG Guidelines, 2015. Collection method: clinical testing. Allele origin: germline. Affected: yes.
Comment: This synonymous variant is classified as Benign (ACMG criteria - BA1)

Blueprint Genetics
Classification: Likely benign. Last evaluated: 2024-11-27. Review status: criteria provided, single submitter. Criteria: ACMG Guidelines, 2015. Collection method: clinical testing. Allele origin: germline.

Mayo Clinic Laboratories, Mayo Clinic
Classification: Benign. Last evaluated: 2022-09-06. Review status: criteria provided, single submitter. Criteria: ACMG Guidelines, 2015. Collection method: clinical testing. Allele origin: germline. Observed: 3 variant alleles.

GeneDx
Classification: Benign. Last evaluated: 2021-06-09. Review status: criteria provided, single submitter. Criteria: GeneDx Variant Classification Process June 2021. Collection method: clinical testing. Allele origin: germline. Affected: yes.

Illumina Laboratory Services, Illumina
Classification: Benign for Osteopetrosis. Last evaluated: 2018-01-13. Review status: criteria provided, single submitter. Criteria: ICSL Variant Classification Criteria 13 December 2019. Collection method: clinical testing. Allele origin: germline.
Comment: This variant was observed in the ICSL laboratory as part of a predisposition screen in an ostensibly healthy population. It had not been previously curated by ICSL or reported in the Human Gene Mutation Database (HGMD: prior to June 1st, 2018), and was therefore a candidate for classification through an automated scoring system. Utilizing variant allele frequency, disease prevalence and penetrance estimates, and inheritance mode, an automated score was calculated to assess if this variant is too frequent to cause the disease. Based on the score and internal cut-off values, a variant classified as benign is not then subjected to further curation. The score for this variant resulted in a classification of benign for this disease.

Eurofins Ntd Llc (ga)
Classification: Benign. Last evaluated: 2014-10-03. Review status: criteria provided, single submitter. Criteria: EGL Classification Definitions 2015. Collection method: clinical testing. Allele origin: germline. Observed: 1 variant allele, 1 heterozygote.

Breakthrough Genomics
Classification: Benign. Review status: criteria provided, single submitter. Criteria: ACMG Guidelines, 2015. Collection method: not provided. Allele origin: germline. Inheritance: Autosomal recessive inheritance. Affected: yes.

Joint Genome Diagnostic Labs from Nijmegen and Maastricht, Radboudumc and MUMC+
Classification: Benign. Review status: no assertion criteria provided. Collection method: clinical testing. Allele origin: germline. Affected: yes. Study: VKGL Data-share Consensus. Not counted in ClinVar's aggregate classification.

Laboratory of Diagnostic Genome Analysis, Leiden University Medical Center (LUMC)
Classification: Likely benign. Review status: no assertion criteria provided. Collection method: clinical testing. Allele origin: germline. Affected: yes. Study: VKGL Data-share Consensus. Not counted in ClinVar's aggregate classification.

NM_001287.6(CLCN7):c.900G>A (p.Ala300=)

Gene: CLCN7 (Cl-/H+ antiporter 7; minus strand). Cytogenetic location: 16p13.3.
Variant type: single nucleotide variant.
Coding change: c.900G>A on transcript NM_001287.6 (MANE Select); coding-DNA position 900, G replaced by A.
Protein change: p.Ala300=; no amino-acid change (alanine 300 retained).
Molecular consequence: synonymous variant.
Genome position (GRCh38, 1-based): chr16:1,456,129, C>T on the plus strand (G>A on the coding strand, the complement: CLCN7 is on the minus strand). VCF-style: chr16-1456129-C-T. GRCh37 (hg19) VCF-style: chr16-1506130-C-T.
Other names: p.Ala300=; c.828G>A, p.Ala276= (NM_001114331.3).
Identifiers: ClinVar variation 193627 (VCV000193627.28), dbSNP rs41286695, ClinGen allele CA200689.